The following is an entry in ClinVar:

ClinVar aggregate classification (germline): Benign/Likely benign. Review status: criteria provided, multiple submitters, no conflicts (2 of 4 stars). 3 submissions from 3 submitters: Benign (2); Likely benign (1). Last evaluated 2025-02-16.

Conditions:
Leigh syndrome (NULS). Also called: Leigh's necrotizing encephalopathy; Leigh's disease; LEIGH SYNDROME, NUCLEAR; Leigh Syndrome (mtDNA deletion); Leigh Disease; Leigh's syndrome. Identifiers: Orphanet 506, MedGen C2931891, MONDO:0009723, OMIM 256000.

Submissions (3):

Laboratory of Genetics, Children's Clinical University Hospital Latvia
Classification: Likely benign. Last evaluated: 2025-02-16. Review status: criteria provided, single submitter. Criteria: ACMG Guidelines, 2015. Collection method: clinical testing. Allele origin: germline. Affected: yes.

Wong Mito Lab, Molecular and Human Genetics, Baylor College of Medicine
Classification: Benign for Leigh syndrome. Last evaluated: 2019-10-17. Review status: criteria provided, single submitter. Criteria: Modified ACMG Guidelines (Unpublished). Collection method: clinical testing. Allele origin: germline.
Comment: The NC_012920.1:m.15884G>C (YP_003024038.1:p.Ala380Pro) variant in MTCYB gene is interpretated to be a Benign variant based on the modified ACMG guidelines (unpublished). This variant meets the following evidence codes: BA1

Genomic Diagnostic Laboratory, Division of Genomic Diagnostics, Children's Hospital of Philadelphia
Classification: Benign. Last evaluated: 2015-08-10. Review status: criteria provided, single submitter. Criteria: DGD Variant Analysis Guidelines. Collection method: clinical testing. Allele origin: unknown.

NC_012920.1(MT-CYB):m.15884G>C

Gene: MT-CYB (mitochondrially encoded cytochrome b; plus strand).
Variant type: single nucleotide variant.
Genome position: chrM-15884-G-C.
Identifiers: ClinVar variation 252455 (VCV000252455.4), dbSNP rs527236195, ClinGen allele CA10586049.